The following is an entry in ClinVar:

ClinVar aggregate classification (germline): Uncertain significance (1 of 4 stars; one submission).

Conditions:
Familial cancer of breast. Also called: hereditary breast carcinoma; Hereditary breast cancer; BREAST CANCER, FAMILIAL. Identifiers: Orphanet 227535, MedGen C0346153, MONDO:0016419, OMIM 114480. Disease mechanism: loss of function.
Fanconi anemia complementation group J. Also called: BRIP1-Related Fanconi Anemia. Identifiers: Orphanet 84, MedGen C1836860, MONDO:0012187, OMIM 609054.

Submission:

Labcorp Genetics (formerly Invitae), Labcorp
Classification: Uncertain significance for Familial cancer of breast; Fanconi anemia complementation group J. Last evaluated: 2022-02-04. Review status: criteria provided, single submitter. Criteria: Invitae Variant Classification Sherloc (09022015). Collection method: clinical testing. Allele origin: germline.
Comment: Algorithms developed to predict the effect of missense changes on protein structure and function output the following: SIFT: "Tolerated"; PolyPhen-2: "Benign"; Align-GVGD: "Class C0". The threonine amino acid residue is found in multiple mammalian species, which suggests that this missense change does not adversely affect protein function. In summary, the available evidence is currently insufficient to determine the role of this variant in disease. Therefore, it has been classified as a Variant of Uncertain Significance. This variant has not been reported in the literature in individuals affected with BRIP1-related conditions. This variant is not present in population databases (gnomAD no frequency). This sequence change replaces serine, which is neutral and polar, with threonine, which is neutral and polar, at codon 1001 of the BRIP1 protein (p.Ser1001Thr).

NM_032043.3(BRIP1):c.3002G>C (p.Ser1001Thr)

Gene: BRIP1 (BRCA1 interacting DNA helicase 1; minus strand). Cytogenetic location: 17q23.2.
Variant type: single nucleotide variant.
Coding change: c.3002G>C on transcript NM_032043.3 (MANE Select); coding-DNA position 3002, G replaced by C.
Protein change: p.Ser1001Thr; replaces serine 1001 with threonine.
Molecular consequence: missense variant.
Genome position (GRCh38, 1-based): chr17:61,684,044, C>G on the plus strand (G>C on the coding strand, the complement: BRIP1 is on the minus strand). VCF-style: chr17-61684044-C-G. GRCh37 (hg19) VCF-style: chr17-59761405-C-G.
Other names: short protein forms S1001T.
Identifiers: ClinVar variation 2093006 (VCV002093006.4), dbSNP rs1603275610, ClinGen allele CA400480018.